The following is an entry in ClinVar:

ClinVar aggregate classification (germline): Pathogenic. Review status: criteria provided, multiple submitters, no conflicts (2 of 4 stars). 7 submissions from 6 submitters: Pathogenic (6). 1 of the submissions does not count toward it. Last evaluated 2024-08-06.

Conditions:
Usher syndrome type 2A. Also called: RETINAL DISEASE IN USHER SYNDROME TYPE IIA, MODIFIER OF; USHER SYNDROME, TYPE IIA. Identifiers: Orphanet 231178, Orphanet 886, MedGen C1848634, MONDO:0010169, OMIM 276901.
Retinitis pigmentosa 39 (RP39). Identifiers: Orphanet 791, MedGen C3151138, MONDO:0013436, OMIM 613809.
USH2A-related disorder. Also called: USH2A-related disorders; USH2A-related condition. Identifiers: MedGen CN239332.

Allele frequency attached by ClinVar (database versions not stated): TOPMed below 0.00001; gnomAD 0.00001.
gnomAD v4.1: 1 of 1,613,914 alleles (0.000062%); highest among the groups gnomAD compares: Non-Finnish European, 0.000085%; no homozygotes.

Submissions (7):

Natera, Inc.
Classification: Pathogenic for Usher syndrome type 2A. Last evaluated: 2024-08-06. Review status: criteria provided, single submitter. Criteria: Natera Variant Classification Schema (03/2026). Collection method: clinical testing. Allele origin: germline.
Comment: The c.2797C>T variant in USH2A is a nonsense variant predicted to introduce a stop codon at amino acid 933. This variant is expected to result in nonsense mediated decay, truncation, or a dysfunctional protein product. This variant is rare in the general population with a frequency below the threshold expected for the associated phenotype(s). This variant has been observed in one or more individuals affected with the associated recessive disease, as either homozygous or compound heterozygous with a second variant (PMID: 10909849). This variant has been found together with another disease-causing variant in the same copy of the gene (PMID: 27957503). Given the available evidence, this variant is classified as Pathogenic.

Genome-Nilou Lab
Classification: Pathogenic for Retinitis pigmentosa 39. Last evaluated: 2023-11-04. Review status: criteria provided, single submitter. Criteria: ACMG Guidelines, 2015. Collection method: clinical testing. Allele origin: germline. Affected: no.

Genome-Nilou Lab
Classification: Pathogenic for Usher syndrome type 2A. Last evaluated: 2023-11-04. Review status: criteria provided, single submitter. Criteria: ACMG Guidelines, 2015. Collection method: clinical testing. Allele origin: germline. Affected: no.

Labcorp Genetics (formerly Invitae), Labcorp
Classification: Pathogenic. Last evaluated: 2022-04-12. Review status: criteria provided, single submitter. Criteria: Invitae Variant Classification Sherloc (09022015). Collection method: clinical testing. Allele origin: germline.
Comment: For these reasons, this variant has been classified as Pathogenic. ClinVar contains an entry for this variant (Variation ID: 553620). This premature translational stop signal has been observed in individual(s) with Usher syndrome (PMID: 10909849). This variant is not present in population databases (gnomAD no frequency). This sequence change creates a premature translational stop signal (p.Gln933*) in the USH2A gene. It is expected to result in an absent or disrupted protein product. Loss-of-function variants in USH2A are known to be pathogenic (PMID: 10729113, 10909849, 20507924, 25649381).

Institute of Human Genetics, University of Leipzig Medical Center
Classification: Pathogenic for Retinitis pigmentosa 39. Last evaluated: 2021-09-21. Review status: criteria provided, single submitter. Criteria: ACMG Guidelines, 2015. Collection method: clinical testing. Allele origin: unknown. Affected: yes.
Comment: This variant was identified as compound heterozygous with NM_206933.4:c.2023C>T.

Blueprint Genetics
Classification: Pathogenic for USH2A-related disorders. Last evaluated: 2021-08-06. Review status: criteria provided, single submitter. Criteria: ACMG Guidelines, 2015. Collection method: clinical testing. Allele origin: germline. Affected: yes. Observed: 2 variant alleles.

Counsyl
Classification: Pathogenic for Usher syndrome type 2A; Retinitis pigmentosa 39. Last evaluated: 2017-08-31. Review status: no assertion criteria provided. Collection method: clinical testing. Allele origin: unknown. Not counted in ClinVar's aggregate classification.

Literature cited by the submitters: PubMed 10909849 (cited by 3 submitters); PubMed 27957503 (cited by Natera, Inc. and Counsyl); PubMed 10729113 (cited by Labcorp Genetics (formerly Invitae), Labcorp); PubMed 20507924 (cited by Labcorp Genetics (formerly Invitae), Labcorp); PubMed 25649381 (cited by Labcorp Genetics (formerly Invitae), Labcorp); PubMed 25333064 (cited by Counsyl).

NM_206933.4(USH2A):c.2797C>T (p.Gln933Ter)

Genes: USH2A (usherin; minus strand), LOC122152296 (Sharpr-MPRA regulatory region 8762; plus strand). Cytogenetic location: 1q41.
Variant type: single nucleotide variant.
Coding change: c.2797C>T on transcript NM_206933.4 (MANE Select); coding-DNA position 2797, C replaced by T.
Protein change: p.Gln933Ter; replaces glutamine 933 with a stop codon.
Molecular consequence: nonsense.
Genome position (GRCh38, 1-based): chr1:216,246,597, G>A on the plus strand (C>T on the coding strand, the complement: USH2A is on the minus strand). VCF-style: chr1-216246597-G-A. GRCh37 (hg19) VCF-style: chr1-216419939-G-A.
Other names: c.2797C>T, p.Gln933Ter (NM_007123.6); short protein forms Q933*.
Identifiers: ClinVar variation 553620 (VCV000553620.11), dbSNP rs1394737087, ClinGen allele CA344864015.
Genomic context (GRCh38, chr1:216,246,597, plus strand): 5'-AAAAGGAATGTCATTGTGCACTGAAAATGTAATACATTTCTTTCTTACCTGGTTGACACT[G>A]ATTACACCTTCTTCCTTGACGATTAGGCACACACAGGCACTGGCCACTGATTGGGTCACA-3'